The following is an entry in ClinVar:

NM_004336.5(BUB1):c.2419G>A (p.Gly807Arg)

Gene: BUB1 (BUB1 mitotic checkpoint serine/threonine kinase; minus strand). Cytogenetic location: 2q13.
Variant type: single nucleotide variant.
Coding change: c.2419G>A on transcript NM_004336.5 (MANE Select); coding-DNA position 2419, G replaced by A.
Protein change: p.Gly807Arg; replaces glycine 807 with arginine.
Molecular consequence: missense variant.
Genome position (GRCh38, 1-based): chr2:110,642,163, C>T on the plus strand (G>A on the coding strand, the complement: BUB1 is on the minus strand). VCF-style: chr2-110642163-C-T. GRCh37 (hg19) VCF-style: chr2-111399740-C-T.
Other names: c.2359G>A, p.Gly787Arg (NM_001278616.2); c.2419G>A, p.Gly807Arg (NM_001278617.2); short protein forms G807R, G787R.
Identifiers: ClinVar variation 2446973 (VCV002446973.2), dbSNP rs1484846860, ClinGen allele CA348090923.

ClinVar aggregate classification (germline): Uncertain significance (1 of 4 stars; one submission).

Allele frequency attached by ClinVar (database versions not stated): gnomAD exomes below 0.00001; TOPMed 0.00001; gnomAD 0.00002.
gnomAD v4.1: 5 of 1,613,548 alleles (0.00031%); highest among the groups gnomAD compares: Admixed American, 0.0083%; no homozygotes.

Submission:

Ambry Genetics
Classification: Uncertain significance. Last evaluated: 2022-11-10. Review status: criteria provided, single submitter. Criteria: Ambry Variant Classification Scheme 2023. Collection method: clinical testing. Allele origin: germline.
Comment: The p.G807R variant (also known as c.2419G>A), located in coding exon 20 of the BUB1 gene, results from a G to A substitution at nucleotide position 2419. The glycine at codon 807 is replaced by arginine, an amino acid with dissimilar properties. This amino acid position is conserved. In addition, this alteration is predicted to be tolerated by in silico analysis. Since supporting evidence is limited at this time, the clinical significance of this alteration remains unclear.